The following is an entry in ClinVar:

NM_000214.3(JAG1):c.757T>A (p.Cys253Ser)

Gene: JAG1 (jagged canonical Notch ligand 1; minus strand). Cytogenetic location: 20p12.2.
Variant type: single nucleotide variant.
Coding change: c.757T>A on transcript NM_000214.3 (MANE Select); coding-DNA position 757, T replaced by A.
Protein change: p.Cys253Ser; replaces cysteine 253 with serine.
Molecular consequence: missense variant.
Genome position (GRCh38, 1-based): chr20:10,652,597, A>T on the plus strand (T>A on the coding strand, the complement: JAG1 is on the minus strand). VCF-style: chr20-10652597-A-T. GRCh37 (hg19) VCF-style: chr20-10633245-A-T.
Other names: short protein forms C253S.
Identifiers: ClinVar variation 3573089 (VCV003573089.2).

Conditions:
Arteriohepatic dysplasia. Also called: Alagille Syndrome. Identifiers: Orphanet 52, MedGen C0085280, MeSH D016738, MONDO:0007318.

Submission:

Gilbert/Spinner Lab, Children's Hospital of Philadelphia
No classification provided (evidence only). Condition: Alagille syndrome. Review status: no classification provided. Collection method: research. Allele origin: not applicable. Functional consequence: functionally_abnormal.
ClinVar note: "not provided" was previously submitted as the classification for the variant. However, the classification appeared to be based only on an observation of functional data so it was converted to no classification on 2025-07-30.